The following is an entry in ClinVar:

NM_152424.4(AMER1):c.2681G>A (p.Arg894His)

Gene: AMER1 (APC membrane recruitment protein 1; minus strand). Cytogenetic location: Xq11.2.
Variant type: single nucleotide variant.
Coding change: c.2681G>A on transcript NM_152424.4 (MANE Select); coding-DNA position 2681, G replaced by A.
Protein change: p.Arg894His; replaces arginine 894 with histidine.
Molecular consequence: missense variant.
Genome position (GRCh38, 1-based): chrX:64,190,606, C>T on the plus strand (G>A on the coding strand, the complement: AMER1 is on the minus strand). VCF-style: chrX-64190606-C-T. GRCh37 (hg19) VCF-style: chrX-63410486-C-T.
Other names: short protein forms R894H.
Identifiers: ClinVar variation 2308885 (VCV002308885.3), dbSNP rs779325879, ClinGen allele CA10432165.

ClinVar aggregate classification (germline): Likely benign. Review status: criteria provided, multiple submitters, no conflicts (2 of 4 stars). 2 submissions from 2 submitters: Likely benign (2). Last evaluated 2026-09-01.

Conditions:
Inborn genetic diseases. Identifiers: MedGen C0950123, MeSH D030342.

Allele frequency attached by ClinVar (database versions not stated): ExAC 0.00002.
gnomAD v4.1: 19 of 1,210,378 alleles (0.0016%); highest among the groups gnomAD compares: Middle Eastern, 0.046%; no homozygotes.

Submissions (2):

CeGaT Center for Human Genetics Tuebingen
Classification: Likely benign. Last evaluated: 2026-09-01. Review status: criteria provided, single submitter. Criteria: CeGaT Center For Human Genetics Tuebingen Variant Classification Criteria Version 2. Collection method: clinical testing. Allele origin: germline. Affected: yes. Observed: 1 variant allele.
Comment: AMER1: BS2

Ambry Genetics
Classification: Likely benign for Inborn genetic diseases. Last evaluated: 2022-08-26. Review status: criteria provided, single submitter. Criteria: Ambry Variant Classification Scheme 2023. Collection method: clinical testing. Allele origin: germline.